The following is an entry in ClinVar:

ClinVar aggregate classification (germline): Conflicting classifications of pathogenicity. Review status: criteria provided, conflicting classifications (1 of 4 stars). 6 submissions from 5 submitters: Uncertain significance (1); Benign (4); Likely benign (1). Last evaluated 2026-02-01.

Conditions:
Retinal dystrophy. Also called: Inherited retinal dystrophy. Identifiers: Orphanet 71862, MedGen C0854723, MeSH D058499, MONDO:0019118, HP:0000556.
Cone-rod dystrophy 16 (CORD16). Identifiers: MedGen C3281045, MONDO:0013786, OMIM 614500.
Retinitis pigmentosa (RP). Identifiers: Orphanet 791, MedGen C0035334, MeSH D012174, MONDO:0019200, OMIM 268000. Inheritance: Autosomal dominant, autosomal recessive and X linked inheritance.

Allele frequency attached by ClinVar (database versions not stated): 1000 Genomes Project 30x 0.01124; TOPMed 0.01173; 1000 Genomes Project 0.01178; ESP Exome Variant Server 0.01445; gnomAD 0.01675 and 0.01707; ExAC 0.01851; gnomAD exomes 0.01873.
gnomAD v4.1: 28,046 of 1,612,252 alleles (1.7%); highest among the groups gnomAD compares: Non-Finnish European, 1.7%; 351 homozygotes.

Submissions 1 to 29 of 52:

Labcorp Genetics (formerly Invitae), Labcorp
Classification: Benign. Last evaluated: 2026-02-01. Review status: criteria provided, single submitter. Criteria: Invitae Variant Classification Sherloc (09022015). Collection method: clinical testing. Allele origin: germline.

ARUP Laboratories, Molecular Genetics and Genomics, ARUP Laboratories
Classification: Benign. Last evaluated: 2023-11-03. Review status: criteria provided, single submitter. Criteria: ARUP Molecular Germline Variant Investigation Process 2024. Collection method: clinical testing. Allele origin: germline.

Dept Of Ophthalmology, Nagoya University
Classification: Benign for Retinal dystrophy. Last evaluated: 2023-10-01. Review status: criteria provided, single submitter. Criteria: Submitter's publication. Collection method: research. Allele origin: germline. Affected: yes.

GeneDx
Classification: Benign. Last evaluated: 2018-07-11. Review status: criteria provided, single submitter. Criteria: GeneDx Variant Classification Process June 2021. Collection method: clinical testing. Allele origin: germline. Affected: yes.

Illumina Laboratory Services, Illumina
Classification: Uncertain significance for Retinitis pigmentosa. Last evaluated: 2018-01-13. Review status: criteria provided, single submitter. Criteria: ICSL Variant Classification Criteria 13 December 2019. Collection method: clinical testing. Allele origin: germline.

Illumina Laboratory Services, Illumina
Classification: Likely benign for Cone-rod dystrophy 16. Last evaluated: 2018-01-13. Review status: criteria provided, single submitter. Criteria: ICSL Variant Classification Criteria 13 December 2019. Collection method: clinical testing. Allele origin: germline.
Comment: This variant was observed in the ICSL laboratory as part of a predisposition screen in an ostensibly healthy population. It had not been previously curated by ICSL or reported in the Human Gene Mutation Database (HGMD: prior to June 1st, 2018), and was therefore a candidate for classification through an automated scoring system. Utilizing variant allele frequency, disease prevalence and penetrance estimates, and inheritance mode, an automated score was calculated to assess if this variant is too frequent to cause the disease. Based on the score and internal cut-off values, a variant classified as likely benign is not then subjected to further curation. The score for this variant resulted in a classification of likely benign for this disease.

Dr. Peter K. Rogan Lab, Western University
No classification provided (evidence only). Condition: Lung cancer. Review status: no classification provided. Collection method: in vitro. Allele origin: not applicable. Functional consequence: skipped exon. Not counted in ClinVar's aggregate classification.

Dr. Peter K. Rogan Lab, Western University
No classification provided (evidence only). Condition: Lung cancer. Review status: no classification provided. Collection method: in vitro. Allele origin: not applicable. Functional consequence: skipped exon. Not counted in ClinVar's aggregate classification.

Dr. Peter K. Rogan Lab, Western University
No classification provided (evidence only). Condition: Lung cancer. Review status: no classification provided. Collection method: in vitro. Allele origin: not applicable. Functional consequence: skipped exon. Not counted in ClinVar's aggregate classification.

Dr. Peter K. Rogan Lab, Western University
No classification provided (evidence only). Condition: Lung cancer. Review status: no classification provided. Collection method: in vitro. Allele origin: not applicable. Functional consequence: skipped exon. Not counted in ClinVar's aggregate classification.

Dr. Peter K. Rogan Lab, Western University
No classification provided (evidence only). Condition: Lung cancer. Review status: no classification provided. Collection method: in vitro. Allele origin: not applicable. Functional consequence: skipped exon. Not counted in ClinVar's aggregate classification.

Dr. Peter K. Rogan Lab, Western University
No classification provided (evidence only). Condition: Melanoma. Review status: no classification provided. Collection method: in vitro. Allele origin: not applicable. Functional consequence: retained intron. Not counted in ClinVar's aggregate classification.

Dr. Peter K. Rogan Lab, Western University
No classification provided (evidence only). Condition: Melanoma. Review status: no classification provided. Collection method: in vitro. Allele origin: not applicable. Functional consequence: skipped exon, retained intron. Not counted in ClinVar's aggregate classification.

Dr. Peter K. Rogan Lab, Western University
No classification provided (evidence only). Condition: Melanoma. Review status: no classification provided. Collection method: in vitro. Allele origin: not applicable. Functional consequence: skipped exon. Not counted in ClinVar's aggregate classification.

Dr. Peter K. Rogan Lab, Western University
No classification provided (evidence only). Condition: Acute myeloid leukemia. Review status: no classification provided. Collection method: in vitro. Allele origin: not applicable. Functional consequence: skipped exon, retained intron. Not counted in ClinVar's aggregate classification.

Dr. Peter K. Rogan Lab, Western University
No classification provided (evidence only). Condition: Acute myeloid leukemia. Review status: no classification provided. Collection method: in vitro. Allele origin: not applicable. Functional consequence: skipped exon, retained intron. Not counted in ClinVar's aggregate classification.

Dr. Peter K. Rogan Lab, Western University
No classification provided (evidence only). Condition: Acute myeloid leukemia. Review status: no classification provided. Collection method: in vitro. Allele origin: not applicable. Functional consequence: retained intron. Not counted in ClinVar's aggregate classification.

Dr. Peter K. Rogan Lab, Western University
No classification provided (evidence only). Condition: Acute myeloid leukemia. Review status: no classification provided. Collection method: in vitro. Allele origin: not applicable. Functional consequence: retained intron. Not counted in ClinVar's aggregate classification.

Dr. Peter K. Rogan Lab, Western University
No classification provided (evidence only). Condition: Colon adenocarcinoma. Review status: no classification provided. Collection method: in vitro. Allele origin: not applicable. Functional consequence: retained intron. Not counted in ClinVar's aggregate classification.

Dr. Peter K. Rogan Lab, Western University
No classification provided (evidence only). Condition: Thyroid cancer, nonmedullary, 1. Review status: no classification provided. Collection method: in vitro. Allele origin: not applicable. Functional consequence: retained intron. Not counted in ClinVar's aggregate classification.

Dr. Peter K. Rogan Lab, Western University
No classification provided (evidence only). Condition: Thyroid cancer, nonmedullary, 1. Review status: no classification provided. Collection method: in vitro. Allele origin: not applicable. Functional consequence: retained intron. Not counted in ClinVar's aggregate classification.

Dr. Peter K. Rogan Lab, Western University
No classification provided (evidence only). Condition: Thyroid cancer, nonmedullary, 1. Review status: no classification provided. Collection method: in vitro. Allele origin: not applicable. Functional consequence: skipped exon. Not counted in ClinVar's aggregate classification.

Dr. Peter K. Rogan Lab, Western University
No classification provided (evidence only). Condition: Thyroid cancer, nonmedullary, 1. Review status: no classification provided. Collection method: in vitro. Allele origin: not applicable. Functional consequence: skipped exon. Not counted in ClinVar's aggregate classification.

Dr. Peter K. Rogan Lab, Western University
No classification provided (evidence only). Condition: Thyroid cancer, nonmedullary, 1. Review status: no classification provided. Collection method: in vitro. Allele origin: not applicable. Functional consequence: skipped exon. Not counted in ClinVar's aggregate classification.

Dr. Peter K. Rogan Lab, Western University
No classification provided (evidence only). Condition: Thyroid cancer, nonmedullary, 1. Review status: no classification provided. Collection method: in vitro. Allele origin: not applicable. Functional consequence: skipped exon. Not counted in ClinVar's aggregate classification.

Dr. Peter K. Rogan Lab, Western University
No classification provided (evidence only). Condition: Thyroid cancer, nonmedullary, 1. Review status: no classification provided. Collection method: in vitro. Allele origin: not applicable. Functional consequence: retained intron. Not counted in ClinVar's aggregate classification.

Dr. Peter K. Rogan Lab, Western University
No classification provided (evidence only). Condition: Cervical cancer. Review status: no classification provided. Collection method: in vitro. Allele origin: not applicable. Functional consequence: skipped exon, retained intron. Not counted in ClinVar's aggregate classification.

Dr. Peter K. Rogan Lab, Western University
No classification provided (evidence only). Condition: Cervical cancer. Review status: no classification provided. Collection method: in vitro. Allele origin: not applicable. Functional consequence: skipped exon. Not counted in ClinVar's aggregate classification.

Dr. Peter K. Rogan Lab, Western University
No classification provided (evidence only). Condition: Cervical cancer. Review status: no classification provided. Collection method: in vitro. Allele origin: not applicable. Functional consequence: retained intron. Not counted in ClinVar's aggregate classification.

NM_177965.4(CFAP418):c.450G>A (p.Ser150=)

Gene: CFAP418 (cilia and flagella associated protein 418; minus strand). Cytogenetic location: 8q22.1.
Variant type: single nucleotide variant.
Coding change: c.450G>A on transcript NM_177965.4 (MANE Select); coding-DNA position 450, G replaced by A.
Protein change: p.Ser150=; no amino-acid change (serine 150 retained).
Molecular consequence: synonymous variant. On other transcripts: intron variant (1).
Genome position (GRCh38, 1-based): chr8:95,252,208, C>T on the plus strand (G>A on the coding strand, the complement: CFAP418 is on the minus strand). VCF-style: chr8-95252208-C-T. GRCh37 (hg19) VCF-style: chr8-96264436-C-T.
Other names: c.375-4438G>A (NM_001363260.1).
Identifiers: ClinVar variation 364000 (VCV000364000.26), dbSNP rs35141355, ClinGen allele CA4815138.